The following is an entry in ClinVar:

NM_000414.4(HSD17B4):c.1233dup (p.Glu412fs)

Gene: HSD17B4 (hydroxysteroid 17-beta dehydrogenase 4; plus strand). Cytogenetic location: 5q23.1.
Variant type: Duplication.
Coding change: c.1233dup on transcript NM_000414.4 (MANE Select); coding-DNA position 1233, one base duplicated (A; older notation c.1233dupA).
Protein change: p.Glu412fs; shifts the reading frame from glutamic acid 412.
Molecular consequence: frameshift variant. On other transcripts: non-coding transcript variant (2).
Genome position (GRCh38, 1-based): chr5:119,502,064, A duplicated. VCF-style (leftmost placement, unchanged base first): chr5-119502063-T-TA. GRCh37 (hg19) VCF-style: chr5-118837758-T-TA.
Other names: c.1308dup, p.Glu437fs (NM_001199291.3); c.1179dup, p.Glu394fs (NM_001199292.2); c.1161dup, p.Glu388fs (NM_001292027.2); c.813dup, p.Glu272fs (NM_001292028.2); c.1224dup, p.Glu409fs (NM_001374497.1); c.1233dup, p.Glu412fs (NM_001374498.1); c.906dup, p.Glu303fs (NM_001374499.1); c.792dup, p.Glu265fs (NM_001374500.1); and 1 more; short protein forms E265fs, E272fs, E388fs, E437fs, E394fs, E409fs, E275fs, E303fs.
Identifiers: ClinVar variation 1441941 (VCV001441941.7), dbSNP rs2126790164, ClinGen allele CA2573138652.

ClinVar aggregate classification (germline): Pathogenic/Likely pathogenic. Review status: criteria provided, multiple submitters, no conflicts (2 of 4 stars). 2 submissions from 2 submitters: Pathogenic (1); Likely pathogenic (1). Last evaluated 2026-01-20.

Conditions:
Bifunctional peroxisomal enzyme deficiency (DBIF). Also called: PBFE DEFICIENCY; D-bifunctional protein deficiency; DBP DEFICIENCY. Identifiers: Orphanet 300, MedGen C0342870, MONDO:0009855, OMIM 261515. Disease mechanism: loss of function.
Perrault syndrome. Also called: Gonadal dysgenesis with auditory dysfunction, autosomal recessive inheritance. Identifiers: Orphanet 2855, MedGen C0685838, MONDO:0017312.

Allele frequency attached by ClinVar (database versions not stated): gnomAD exomes below 0.00001.

Submissions (2):

Labcorp Genetics (formerly Invitae), Labcorp
Classification: Pathogenic for Perrault syndrome; Bifunctional peroxisomal enzyme deficiency. Last evaluated: 2026-01-20. Review status: criteria provided, single submitter. Criteria: Invitae Variant Classification Sherloc (09022015). Collection method: clinical testing. Allele origin: germline.
Comment: This sequence change creates a premature translational stop signal (p.Glu412Argfs*4) in the HSD17B4 gene. It is expected to result in an absent or disrupted protein product. Loss-of-function variants in HSD17B4 are known to be pathogenic (PMID: 11810648, 16385454, 20673864). This variant is not present in population databases (gnomAD no frequency). This variant has not been reported in the literature in individuals affected with HSD17B4-related conditions. ClinVar contains an entry for this variant (Variation ID: 1441941). For these reasons, this variant has been classified as Pathogenic.

Baylor Genetics
Classification: Likely pathogenic for Bifunctional peroxisomal enzyme deficiency. Last evaluated: 2023-10-05. Review status: criteria provided, single submitter. Criteria: ACMG Guidelines, 2015. Collection method: clinical testing. Allele origin: unknown.

Literature cited by the submitters: PubMed 11810648 (cited by Labcorp Genetics (formerly Invitae), Labcorp); PubMed 16385454 (cited by Labcorp Genetics (formerly Invitae), Labcorp); PubMed 20673864 (cited by Labcorp Genetics (formerly Invitae), Labcorp).